The following is an entry in ClinVar:

ClinVar aggregate classification (germline): Uncertain significance (1 of 4 stars; one submission).

gnomAD v4.1: 1 of 1,613,824 alleles (0.000062%); no homozygotes.

Submission:

GeneDx
Classification: Uncertain significance. Last evaluated: 2026-04-07. Review status: criteria provided, single submitter. Criteria: GeneDx Variant Classification Process June 2021. Collection method: clinical testing. Allele origin: germline.
Comment: Not observed at significant frequency in large population cohorts (gnomAD); In silico analysis supports that this missense variant has a deleterious effect on protein structure/function; Has not been previously published as pathogenic or benign to our knowledge

NM_001127222.2(CACNA1A):c.5431G>A (p.Asp1811Asn)

Gene: CACNA1A (calcium voltage-gated channel subunit alpha1 A; minus strand). Cytogenetic location: 19p13.13.
Variant type: single nucleotide variant.
Coding change: c.5431G>A on transcript NM_001127222.2 (MANE Select); coding-DNA position 5431, G replaced by A.
Protein change: p.Asp1811Asn; replaces aspartic acid 1811 with asparagine.
Molecular consequence: missense variant.
Genome position (GRCh38, 1-based): chr19:13,230,179, C>T on the plus strand (G>A on the coding strand, the complement: CACNA1A is on the minus strand). VCF-style: chr19-13230179-C-T. GRCh37 (hg19) VCF-style: chr19-13340993-C-T.
Other names: c.5434G>A, p.Asp1812Asn (NM_001127221.2); c.5440G>A, p.Asp1814Asn (NM_001174080.2); c.5449G>A, p.Asp1817Asn (NM_023035.3, NM_000068.4); short protein forms D1811N, D1812N, D1814N, D1817N.
Identifiers: ClinVar variation 5018006 (VCV005018006.1).